The following is an entry in ClinVar:

ClinVar aggregate classification (germline): Likely pathogenic (1 of 4 stars; one submission).

Submission:

GeneDx
Classification: Likely pathogenic. Last evaluated: 2023-06-27. Review status: criteria provided, single submitter. Criteria: GeneDx Variant Classification Process June 2021. Collection method: clinical testing. Allele origin: germline. Affected: yes.
Comment: Nonsense variant predicted to result in protein truncation or nonsense mediated decay in a gene for which loss of function is a known mechanism of disease; Not observed at significant frequency in large population cohorts (gnomAD); Has not been previously published as pathogenic or benign to our knowledge

NM_001190737.2(NFIB):c.577G>T (p.Gly193Ter)

Gene: NFIB (nuclear factor I B; minus strand). Cytogenetic location: 9p23.
Variant type: single nucleotide variant.
Coding change: c.577G>T on transcript NM_001190737.2 (MANE Select); coding-DNA position 577, G replaced by T.
Protein change: p.Gly193Ter; replaces glycine 193 with a stop codon.
Molecular consequence: nonsense. On other transcripts: 5 prime UTR variant (1), non-coding transcript variant (4), intron variant (1).
Genome position (GRCh38, 1-based): chr9:14,179,766, C>A on the plus strand (G>T on the coding strand, the complement: NFIB is on the minus strand). VCF-style: chr9-14179766-C-A. GRCh37 (hg19) VCF-style: chr9-14179765-C-A.
Other names: c.655G>T, p.Gly219Ter (NM_001190738.2); c.-180G>T (NM_001282787.2); c.643G>T, p.Gly215Ter (NM_001369458.1, NM_001369459.1, NM_001369462.1 and 1 more transcripts); c.565G>T, p.Gly189Ter (NM_001369460.1, NM_001369463.1, NM_001369466.1 and 2 more transcripts); c.577G>T, p.Gly193Ter (NM_001369461.1, NM_001369464.1, NM_001369471.1 and 2 more transcripts); c.550G>T, p.Gly184Ter (NM_001369465.1, NM_001369467.1, NM_001369476.1); c.433G>T, p.Gly145Ter (NM_001369469.1); c.340G>T, p.Gly114Ter (NM_001369470.1, NM_001369478.1); and 4 more; short protein forms G114*, G118*, G14*, G145*, G184*, G188*, G189*, G193*.
Identifiers: ClinVar variation 3360525 (VCV003360525.1).